The following is an entry in ClinVar:

ClinVar aggregate classification (germline): Likely benign (1 of 4 stars; one submission).

Submission:

GeneDx
Classification: Likely benign. Last evaluated: 2016-06-07. Review status: criteria provided, single submitter. Criteria: GeneDx Variant Classification (06012015). Collection method: clinical testing. Allele origin: germline. Affected: yes.
Comment: This variant is considered likely benign or benign based on one or more of the following criteria: it is a conservative change, it occurs at a poorly conserved position in the protein, it is predicted to be benign by multiple in silico algorithms, and/or has population frequency not consistent with disease.

NM_001330260.2(SCN8A):c.435C>T (p.Asn145=)

Gene: SCN8A (sodium voltage-gated channel alpha subunit 8; plus strand). Cytogenetic location: 12q13.13.
Variant type: single nucleotide variant.
Coding change: c.435C>T on transcript NM_001330260.2 (MANE Select); coding-DNA position 435, C replaced by T.
Protein change: p.Asn145=; no amino-acid change (asparagine 145 retained).
Molecular consequence: synonymous variant.
Genome position (GRCh38, 1-based): chr12:51,686,407, C>T. VCF-style: chr12-51686407-C-T. GRCh37 (hg19) VCF-style: chr12-52080191-C-T.
Other names: c.435C>T, p.Asn145= (NM_001177984.3, NM_001369788.1, NM_014191.4).
Identifiers: ClinVar variation 386727 (VCV000386727.1), dbSNP rs1057522588, ClinGen allele CA16606568.